The following is an entry in ClinVar:

NM_016222.4(DDX41):c.1675G>A (p.Val559Met)

Gene: DDX41 (DEAD-box helicase 41; minus strand). Cytogenetic location: 5q35.3.
Variant type: single nucleotide variant.
Coding change: c.1675G>A on transcript NM_016222.4 (MANE Select); coding-DNA position 1675, G replaced by A.
Protein change: p.Val559Met; replaces valine 559 with methionine.
Molecular consequence: missense variant.
Genome position (GRCh38, 1-based): chr5:177,512,153, C>T on the plus strand (G>A on the coding strand, the complement: DDX41 is on the minus strand). VCF-style: chr5-177512153-C-T. GRCh37 (hg19) VCF-style: chr5-176939154-C-T.
Other names: c.1297G>A, p.Val433Met (NM_001321732.2, NM_001321830.2); short protein forms V433M, V559M.
Identifiers: ClinVar variation 4238831 (VCV004238831.1).

ClinVar aggregate classification (germline): Uncertain significance (1 of 4 stars; one submission).

Conditions:
Inborn genetic diseases. Identifiers: MedGen C0950123, MeSH D030342.

Submission:

Ambry Genetics
Classification: Uncertain significance for Inborn genetic diseases. Last evaluated: 2025-09-11. Review status: criteria provided, single submitter. Criteria: Ambry Variant Classification Scheme 2023. Collection method: clinical testing. Allele origin: germline.
Comment: The p.V559M variant (also known as c.1675G>A), located in coding exon 16 of the DDX41 gene, results from a G to A substitution at nucleotide position 1675. The valine at codon 559 is replaced by methionine, an amino acid with highly similar properties. This amino acid position is conserved. In addition, the in silico prediction for this alteration is inconclusive. Based on the available evidence, the clinical significance of this variant remains unclear.